The following is an entry in ClinVar:

NM_001267550.2(TTN):c.67276_67277del (p.Phe22426fs)

Genes: TTN-AS1 (TTN antisense RNA 1; plus strand), TTN (titin; minus strand). Cytogenetic location: 2q31.2.
Variant type: Deletion.
Coding change: c.67276_67277del on transcript NM_001267550.2 (MANE Select); coding-DNA positions 67276 to 67277, 2 bases deleted (TT; older notation c.67276_67277delTT).
Protein change: p.Phe22426fs; shifts the reading frame from phenylalanine 22426.
Molecular consequence: frameshift variant.
Genome position (GRCh38, 1-based): chr2:178,580,010-178,580,011, AA deleted on the plus strand (TT on the coding strand, the reverse complement: TTN is on the minus strand). VCF-style (leftmost placement, unchanged base first): chr2-178580009-GAA-G. GRCh37 (hg19) VCF-style: chr2-179444736-GAA-G.
Other names: c.62353_62354del, p.Phe20785fs (NM_001256850.1); c.40081_40082del, p.Phe13361fs (NM_003319.4); c.59572_59573del, p.Phe19858fs (NM_133378.4); c.40456_40457del, p.Phe13486fs (NM_133432.3); c.40657_40658del, p.Phe13553fs (NM_133437.4); short protein forms F13361fs, F13486fs, F13553fs, F19858fs, F20785fs, F22426fs.
Identifiers: ClinVar variation 3757457 (VCV003757457.2).

ClinVar aggregate classification (germline): Likely pathogenic (1 of 4 stars; one submission).

Conditions:
Dilated cardiomyopathy 1G (CMD1G). Identifiers: Orphanet 154, MedGen C1858763, MONDO:0011400, OMIM 604145.
Autosomal recessive limb-girdle muscular dystrophy type 2J (LGMDR10). Also called: Limb-girdle muscular dystrophy, type 2J; MUSCULAR DYSTROPHY, LIMB-GIRDLE, AUTOSOMAL RECESSIVE 10. Identifiers: Orphanet 140922, MedGen C1837342, MONDO:0012127, OMIM 608807.

Submission:

Labcorp Genetics (formerly Invitae), Labcorp
Classification: Likely pathogenic for Dilated cardiomyopathy 1G; Autosomal recessive limb-girdle muscular dystrophy type 2J. Last evaluated: 2024-07-30. Review status: criteria provided, single submitter. Criteria: Invitae Variant Classification Sherloc (09022015). Collection method: clinical testing. Allele origin: germline.
Comment: This sequence change creates a premature translational stop signal (p.Phe22426Profs*5) in the TTN gene. While this is not anticipated to result in nonsense mediated decay, it is expected to create a truncated TTN protein. This variant is not present in population databases (gnomAD no frequency). This variant has not been reported in the literature in individuals affected with TTN-related conditions. Algorithms developed to predict the effect of sequence changes on RNA splicing suggest that this variant may disrupt the consensus splice site. This variant is located in the A band of TTN (PMID: 25589632). Truncating variants in this region are significantly overrepresented in patients affected with dilated cardiomyopathy (PMID: 25589632). Truncating variants in this region have also been reported in individuals affected with autosomal recessive centronuclear myopathy (PMID: 23975875). In summary, the currently available evidence indicates that the variant is pathogenic, but additional data are needed to prove that conclusively. Therefore, this variant has been classified as Likely Pathogenic.

Literature cited by the submitters: PubMed 25589632; PubMed 23975875.